The following is an entry in ClinVar:

ClinVar aggregate classification (germline): Benign (1 of 4 stars; one submission).

Conditions:
Autosomal dominant optic atrophy classic form (OPA1). Also called: Optic Atrophy Type 1; KJER-TYPE OPTIC ATROPHY; OPTIC ATROPHY, JUVENILE. Identifiers: Orphanet 98673, MedGen C0338508, MONDO:0008134, OMIM 165500.

Allele frequency attached by ClinVar (database versions not stated): gnomAD 0.00619 and 0.00670; 1000 Genomes Project 0.00659; TOPMed 0.00682; 1000 Genomes Project 30x 0.00687.

Submission:

Illumina Laboratory Services, Illumina
Classification: Benign for Autosomal dominant optic atrophy classic form. Last evaluated: 2018-01-12. Review status: criteria provided, single submitter. Criteria: ICSL Variant Classification Criteria 13 December 2019. Collection method: clinical testing. Allele origin: germline.
Comment: This variant was observed in the ICSL laboratory as part of a predisposition screen in an ostensibly healthy population. It had not been previously curated by ICSL or reported in the Human Gene Mutation Database (HGMD: prior to June 1st, 2018), and was therefore a candidate for classification through an automated scoring system. Utilizing variant allele frequency, disease prevalence and penetrance estimates, and inheritance mode, an automated score was calculated to assess if this variant is too frequent to cause the disease. Based on the score and internal cut-off values, a variant classified as benign is not then subjected to further curation. The score for this variant resulted in a classification of benign for this disease.

NM_130837.3(OPA1):c.*1031A>T

Gene: OPA1 (OPA1 mitochondrial dynamin like GTPase; plus strand). Cytogenetic location: 3q29.
Variant type: single nucleotide variant.
Coding change: c.*1031A>T on transcript NM_130837.3 (MANE Select); 1031 bases downstream of the stop codon, A replaced by T.
Molecular consequence: 3 prime UTR variant.
Genome position (GRCh38, 1-based): chr3:193,695,631, A>T. VCF-style: chr3-193695631-A-T. GRCh37 (hg19) VCF-style: chr3-193413420-A-T.
Other names: c.*1031A>T (NM_001354663.2, NM_001354664.2, NM_015560.3 and 6 more transcripts).
Identifiers: ClinVar variation 344499 (VCV000344499.5), dbSNP rs114606850, ClinGen allele CA10618281.